The following is an entry in ClinVar:

NM_000238.4(KCNH2):c.1056C>T (p.Pro352=)

Gene: KCNH2 (potassium voltage-gated channel subfamily H member 2; minus strand). Cytogenetic location: 7q36.1.
Variant type: single nucleotide variant.
Coding change: c.1056C>T on transcript NM_000238.4 (MANE Select); coding-DNA position 1056, C replaced by T.
Protein change: p.Pro352=; no amino-acid change (proline 352 retained).
Molecular consequence: synonymous variant. On other transcripts: non-coding transcript variant (1).
Genome position (GRCh38, 1-based): chr7:150,957,363, G>A on the plus strand (C>T on the coding strand, the complement: KCNH2 is on the minus strand). VCF-style: chr7-150957363-G-A. GRCh37 (hg19) VCF-style: chr7-150654451-G-A.
Other names: c.768C>T, p.Pro256= (NM_001406753.1, NM_001406756.1); c.879C>T, p.Pro293= (NM_001406755.1); c.756C>T, p.Pro252= (NM_001406757.1); c.1056C>T, p.Pro352= (NM_172056.3).
Identifiers: ClinVar variation 518859 (VCV000518859.20), dbSNP rs1554427342, ClinGen allele CA458645982.

ClinVar aggregate classification (germline): Benign/Likely benign. Review status: criteria provided, multiple submitters, no conflicts (2 of 4 stars). 5 submissions from 5 submitters: Benign (1); Likely benign (4). Last evaluated 2023-12-01.

Conditions:
Cardiovascular phenotype. Identifiers: MedGen CN230736.
Cardiac arrhythmia. Also called: Arrhythmia; Cardiac rhythm disease. Identifiers: MedGen C0003811, MONDO:0007263, HP:0011675.
Long QT syndrome (LQTS). Identifiers: MedGen C0023976, MeSH D008133, MONDO:0002442. Disease mechanism: loss of function. Inheritance: Various modes of inheritance.

Allele frequency attached by ClinVar (database versions not stated): gnomAD exomes below 0.00001.
gnomAD v4.1: 2 of 1,613,376 alleles (0.00012%); highest among the groups gnomAD compares: Non-Finnish European, 0.00017%; no homozygotes.

Submissions (5):

All of Us Research Program, National Institutes of Health
Classification: Likely benign for Long QT syndrome. Last evaluated: 2023-12-01. Review status: criteria provided, single submitter. Criteria: ACMG Guidelines, 2015. Collection method: clinical testing. Allele origin: germline. Inheritance: Autosomal dominant inheritance. Observed: 1 variant allele, 1 heterozygote.
Comment: This study involves interpretation of variants in research participants for the purpose of population health screening. Participant phenotype was not available at the time of variant classification. Additional details can be found in publication PMID: 35346344, PMCID: PMC8962531

Labcorp Genetics (formerly Invitae), Labcorp
Classification: Likely benign for Long QT syndrome. Last evaluated: 2021-05-30. Review status: criteria provided, single submitter. Criteria: Invitae Variant Classification Sherloc (09022015). Collection method: clinical testing. Allele origin: germline.

Color Diagnostics, LLC DBA Color Health
Classification: Likely benign for Arrhythmia. Last evaluated: 2019-11-20. Review status: criteria provided, single submitter. Criteria: ACMG Guidelines, 2015. Collection method: clinical testing. Allele origin: germline.

Molecular Diagnostic Laboratory for Inherited Cardiovascular Disease, Montreal Heart Institute
Classification: Benign. Last evaluated: 2019-10-04. Review status: criteria provided, single submitter. Criteria: ACMG Guidelines, 2015. Collection method: clinical testing. Allele origin: germline. Affected: yes.

Ambry Genetics
Classification: Likely benign for Cardiovascular phenotype. Last evaluated: 2017-09-06. Review status: criteria provided, single submitter. Criteria: Ambry Variant Classification Scheme 2023. Collection method: clinical testing. Allele origin: germline.